The following is an entry in ClinVar:

NM_001378452.1(ITPR1):c.7584G>A (p.Thr2528=)

Genes: ITPR1 (inositol 1,4,5-trisphosphate receptor type 1; plus strand), LOC126806590 (MED14-independent group 3 enhancer GRCh37_chr3:4855759-4856958; plus strand). Cytogenetic location: 3p26.1.
Variant type: single nucleotide variant.
Coding change: c.7584G>A on transcript NM_001378452.1 (MANE Select); coding-DNA position 7584, G replaced by A.
Protein change: p.Thr2528=; no amino-acid change (threonine 2528 retained).
Molecular consequence: synonymous variant.
Genome position (GRCh38, 1-based): chr3:4,814,445, G>A. VCF-style: chr3-4814445-G-A. GRCh37 (hg19) VCF-style: chr3-4856129-G-A.
Other names: c.7440G>A, p.Thr2480= (NM_001099952.4); c.7539G>A, p.Thr2513= (NM_001168272.2); c.7395G>A, p.Thr2465= (NM_002222.7).
Identifiers: ClinVar variation 1542718 (VCV001542718.9), dbSNP rs752338252, ClinGen allele CA2232915.

ClinVar aggregate classification (germline): Likely benign. Review status: criteria provided, multiple submitters, no conflicts (2 of 4 stars). 2 submissions from 2 submitters: Likely benign (2). Last evaluated 2026-09-01.

Allele frequency attached by ClinVar (database versions not stated): gnomAD exomes 0.00001; ExAC 0.00002; gnomAD 0.00003.
gnomAD v4.1: 18 of 1,613,942 alleles (0.0011%); highest among the groups gnomAD compares: African/African-American, 0.0053%; no homozygotes.

Submissions (2):

CeGaT Center for Human Genetics Tuebingen
Classification: Likely benign. Last evaluated: 2026-09-01. Review status: criteria provided, single submitter. Criteria: CeGaT Center For Human Genetics Tuebingen Variant Classification Criteria Version 2. Collection method: clinical testing. Allele origin: germline. Affected: yes. Observed: 1 variant allele.
Comment: ITPR1: BP4, BP7

Labcorp Genetics (formerly Invitae), Labcorp
Classification: Likely benign. Last evaluated: 2024-11-05. Review status: criteria provided, single submitter. Criteria: Invitae Variant Classification Sherloc (09022015). Collection method: clinical testing. Allele origin: germline.